The following is an entry in ClinVar:

ClinVar aggregate classification (germline): Uncertain significance. Review status: criteria provided, multiple submitters, no conflicts (2 of 4 stars). 4 submissions from 4 submitters: Uncertain significance (4). Last evaluated 2025-09-14.

Conditions:
Hereditary nonpolyposis colorectal neoplasms. Identifiers: MedGen C0009405, MeSH D003123.
Hereditary cancer-predisposing syndrome. Also called: Hereditary neoplastic syndrome; Neoplastic Syndromes, Hereditary; Tumor predisposition; Hereditary Cancer Syndrome. Identifiers: Orphanet 140162, MedGen C0027672, MeSH D009386, MONDO:0015356.

Allele frequency attached by ClinVar (database versions not stated): TOPMed 0.00001.

Submissions (4):

Labcorp Genetics (formerly Invitae), Labcorp
Classification: Uncertain significance for Hereditary nonpolyposis colorectal neoplasms. Last evaluated: 2025-09-14. Review status: criteria provided, single submitter. Criteria: Invitae Variant Classification Sherloc (09022015). Collection method: clinical testing. Allele origin: germline.
Comment: This sequence change replaces threonine, which is neutral and polar, with alanine, which is neutral and non-polar, at codon 139 of the MSH6 protein (p.Thr139Ala). This variant is not present in population databases (gnomAD no frequency). This variant has not been reported in the literature in individuals affected with MSH6-related conditions. ClinVar contains an entry for this variant (Variation ID: 422768). Invitae Evidence Modeling of protein sequence and biophysical properties (such as structural, functional, and spatial information, amino acid conservation, physicochemical variation, residue mobility, and thermodynamic stability) indicates that this missense variant is not expected to disrupt MSH6 protein function with a negative predictive value of 95%. In summary, the available evidence is currently insufficient to determine the role of this variant in disease. Therefore, it has been classified as a Variant of Uncertain Significance.

Ambry Genetics
Classification: Uncertain significance for Hereditary cancer-predisposing syndrome. Last evaluated: 2025-09-07. Review status: criteria provided, single submitter. Criteria: Ambry Variant Classification Scheme 2023. Collection method: clinical testing. Allele origin: germline.
Comment: The p.T139A variant (also known as c.415A>G), located in coding exon 2 of the MSH6 gene, results from an A to G substitution at nucleotide position 415. The threonine at codon 139 is replaced by alanine, an amino acid with similar properties. This amino acid position is well conserved in available vertebrate species. In addition, this alteration is predicted to be tolerated by in silico analysis. Since supporting evidence is limited at this time, the clinical significance of this alteration remains unclear.

Color Diagnostics, LLC DBA Color Health
Classification: Uncertain significance for Hereditary cancer-predisposing syndrome. Last evaluated: 2024-09-09. Review status: criteria provided, single submitter. Criteria: ACMG Guidelines, 2015. Collection method: clinical testing. Allele origin: germline.
Comment: This missense variant replaces threonine with alanine at codon 139 of the MSH6 protein. Computational prediction suggests that this variant may not impact protein structure and function (internally defined REVEL score threshold <= 0.5, PMID: 27666373). To our knowledge, functional studies have not been reported for this variant. This variant has not been reported in individuals affected with MSH6-related disorders in the literature. This variant has not been identified in the general population by the Genome Aggregation Database (gnomAD). The available evidence is insufficient to determine the role of this variant in disease conclusively. Therefore, this variant is classified as a Variant of Uncertain Significance.

GeneDx
Classification: Uncertain significance. Last evaluated: 2016-11-28. Review status: criteria provided, single submitter. Criteria: GeneDx Variant Classification (06012015). Collection method: clinical testing. Allele origin: germline. Affected: yes.
Comment: This variant is denoted MSH6 c.415A>G at the cDNA level, p.Thr139Ala (T139A) at the protein level, and results in the change of a Threonine to an Alanine (ACA>GCA). This variant has not, to our knowledge, been published in the literature as pathogenic or benign. MSH6 Thr139Ala was not observed in approximately 6,500 individuals of European and African American ancestry in the NHLBI Exome Sequencing Project, suggesting it is not a common benign variant in these populations. Since Threonine and Alanine differ in polarity, charge, size or other properties, this is considered a non-conservative amino acid substitution. MSH6 Thr139Ala occurs at a position that is not conserved and is located in the PWWP domain (Terui 2013). In silico analyses are inconsistent regarding the effect this variant may have on protein structure and function. Based on currently available evidence, it is unclear whether MSH6 Thr139Ala is a pathogenic or benign variant. We consider it to be a variant of uncertain significance.

NM_000179.3(MSH6):c.415A>G (p.Thr139Ala)

Gene: MSH6 (mutS homolog 6; plus strand). Cytogenetic location: 2p16.3.
Variant type: single nucleotide variant.
Coding change: c.415A>G on transcript NM_000179.3 (MANE Select); coding-DNA position 415, A replaced by G.
Protein change: p.Thr139Ala; replaces threonine 139 with alanine.
Molecular consequence: missense variant. On other transcripts: 5 prime UTR variant (2), intron variant (1).
Genome position (GRCh38, 1-based): chr2:47,791,081, A>G. VCF-style: chr2-47791081-A-G. GRCh37 (hg19) VCF-style: chr2-48018220-A-G.
Other names: c.-322A>G (NM_001281493.2); c.-488A>G (NM_001281494.2); c.238-7530A>G (NM_001281492.2); short protein forms T139A.
Identifiers: ClinVar variation 422768 (VCV000422768.17), dbSNP rs991924818, ClinGen allele CA16617627.
Genomic context (GRCh38, chr2:47,791,081, plus strand): 5'-TTCATCCGCGAGAAAGGGAAATCAGTCCGTGTTCATGTACAGTTTTTTGATGACAGCCCA[A>G]CAAGGGGCTGGGTTAGCAAAAGGCTTTTAAAGCCATATACAGGTAAGAGTCACTACTGCC-3'
Protein context (NP_000170.1, residues 129-149): VHVQFFDDSP[Thr139Ala]RGWVSKRLLK